The following is an entry in ClinVar:

ClinVar aggregate classification (germline): Likely pathogenic (1 of 4 stars; one submission).

Conditions:
Emery-Dreifuss muscular dystrophy 4, autosomal dominant (EDMD4). Also called: EMERY-DREIFUSS MUSCULAR DYSTROPHY 4 WITH VARIABLE FEATURES. Identifiers: Orphanet 261, MedGen C2751807, MONDO:0013071, OMIM 612998.
Autosomal recessive ataxia, Beauce type. Also called: ATAXIA, RECESSIVE, OF BEAUCE; SYNE1 Deficiency; Spinocerebellar ataxia, autosomal recessive 8; SYNE1-Related Autosomal Recessive Cerebellar Ataxia. Identifiers: Orphanet 88644, MedGen C1853116, MONDO:0012549, OMIM 610743.

Submission:

Labcorp Genetics (formerly Invitae), Labcorp
Classification: Likely pathogenic for Emery-Dreifuss muscular dystrophy 4, autosomal dominant; Autosomal recessive ataxia, Beauce type. Last evaluated: 2023-06-08. Review status: criteria provided, single submitter. Criteria: Invitae Variant Classification Sherloc (09022015). Collection method: clinical testing. Allele origin: germline.
Comment: In summary, the currently available evidence indicates that the variant is pathogenic, but additional data are needed to prove that conclusively. Therefore, this variant has been classified as Likely Pathogenic. This variant has not been reported in the literature in individuals affected with SYNE1-related conditions. This variant results in a copy number gain of the genomic region encompassing exon(s) 30-51 of the SYNE1 gene. While the exact position of this variant cannot be determined from the data, sub-genic copy number gains are generally in tandem (PMID: 25640679). This variant is predicted to be out-of-frame, and may result in an absent or disrupted protein product. Loss-of-function variants in SYNE1 are known to be pathogenic (PMID: 19542096, 24319099, 27086870).

Literature cited by the submitters: PubMed 25640679; PubMed 19542096; PubMed 24319099; PubMed 27086870.

NC_000006.11:g.(?_152716631)_(152765733_?)dup

Gene: SYNE1 (spectrin repeat containing nuclear envelope protein 1; minus strand). Cytogenetic location: 6q25.2.
Variant type: Duplication.
Identifiers: ClinVar variation 2427111 (VCV002427111.3).